The following is an entry in ClinVar:

NM_003719.5(PDE8B):c.708+10A>G

Gene: PDE8B (phosphodiesterase 8B; plus strand). Cytogenetic location: 5q13.3.
Variant type: single nucleotide variant.
Coding change: c.708+10A>G on transcript NM_003719.5 (MANE Select); 10 bases into the intron after coding-DNA position 708, A replaced by G.
Molecular consequence: intron variant.
Genome position (GRCh38, 1-based): chr5:77,331,469, A>G. VCF-style: chr5-77331469-A-G. GRCh37 (hg19) VCF-style: chr5-76627294-A-G.
Other names: p.?; c.336+10A>G (NM_001414622.1, NM_001414623.1, NM_001349753.2 and 3 more transcripts); c.468+10A>G (NM_001349750.3); c.465+10A>G (NM_001376069.1); c.405+10A>G (NM_001376062.1, NM_001376072.1, NM_001376070.1 and 1 more transcripts); c.402+10A>G (NM_001349752.3, NM_001376071.1); c.345+10A>G (NM_001376066.1, NM_001376074.1); c.771+10A>G (NM_001349749.3); and 3 more.
Identifiers: ClinVar variation 4684845 (VCV004684845.1).

ClinVar aggregate classification (germline): Likely benign (1 of 4 stars; one submission).

gnomAD v4.1: 4 of 1,607,354 alleles (0.00025%); highest among the groups gnomAD compares: Non-Finnish European, 0.00026%; no homozygotes.

Submission:

Mayo Clinic Laboratories, Mayo Clinic
Classification: Likely benign. Last evaluated: 2025-07-08. Review status: criteria provided, single submitter. Criteria: ACMG Guidelines, 2015. Collection method: clinical testing. Allele origin: germline. Observed: 1 variant allele.
Comment: BP4, BP7